The following is an entry in ClinVar:

ClinVar aggregate classification (germline): Likely benign (1 of 4 stars; one submission).

Conditions:
Camptomelic dysplasia (CMPD). Also called: CMPD1/SRA1; Campomelic Dysplasia. Identifiers: Orphanet 140, MedGen C1861922, MONDO:0007251, OMIM 114290.

gnomAD v4.1: 10 of 1,612,942 alleles (0.00062%); highest among the groups gnomAD compares: Middle Eastern, 0.049%; no homozygotes.

Submission:

Centre for Medical Genetics,  Mumbai
Classification: Likely benign for Camptomelic dysplasia. Last evaluated: 2026-02-12. Review status: criteria provided, single submitter. Criteria: ACMG Guidelines, 2015. Collection method: provider interpretation. Allele origin: germline. Inheritance: Autosomal dominant inheritance. Affected: no. Observed: 1 heterozygote.
Comment: The variant satisfies PM2 criteria; Extremely low frequency in gnomAD population databases. The variant satisfies BP6 criteria; Reputable source recently reports variant as benign, but the evidence is not available to the laboratory to perform an independent evaluation. However, the variant satisfies BS2 criteria.

Literature cited by the submitters: PubMed 7990924.

NM_000346.4(SOX9):c.64C>T (p.Pro22Ser)

Genes: SOX9 (SRY-box transcription factor 9; plus strand), LOC108021846 (SOX9 promoter region; plus strand). Cytogenetic location: 17q24.3.
Variant type: single nucleotide variant.
Coding change: c.64C>T on transcript NM_000346.4 (MANE Select); coding-DNA position 64, C replaced by T.
Protein change: p.Pro22Ser; replaces proline 22 with serine.
Molecular consequence: missense variant.
Genome position (GRCh38, 1-based): chr17:72,121,455, C>T. VCF-style: chr17-72121455-C-T. GRCh37 (hg19) VCF-style: chr17-70117596-C-T.
Other names: short protein forms P22S.
Identifiers: ClinVar variation 4759445 (VCV004759445.1).